The following is an entry in ClinVar:

ClinVar aggregate classification (germline): Uncertain significance (1 of 4 stars; one submission).

Conditions:
Immunodeficiency 23 (IMD23). Also called: IMMUNODEFICIENCY WITH HYPER IgE AND COGNITIVE IMPAIRMENT; IMMUNODEFICIENCY-VASCULITIS-MYOCLONUS SYNDROME. Identifiers: Orphanet 443811, MedGen C4014371, MONDO:0014353, OMIM 615816.

Submission:

Labcorp Genetics (formerly Invitae), Labcorp
Classification: Uncertain significance for Immunodeficiency 23. Last evaluated: 2022-06-04. Review status: criteria provided, single submitter. Criteria: Invitae Variant Classification Sherloc (09022015). Collection method: clinical testing. Allele origin: germline.
Comment: In summary, the available evidence is currently insufficient to determine the role of this variant in disease. Therefore, it has been classified as a Variant of Uncertain Significance. This sequence change replaces glycine, which is neutral and non-polar, with arginine, which is basic and polar, at codon 86 of the PGM3 protein (p.Gly86Arg). This variant is not present in population databases (gnomAD no frequency). This variant has not been reported in the literature in individuals affected with PGM3-related conditions. Algorithms developed to predict the effect of missense changes on protein structure and function (SIFT, PolyPhen-2, Align-GVGD) all suggest that this variant is likely to be disruptive.

NM_015599.3(PGM3):c.172G>C (p.Gly58Arg)

Gene: PGM3 (phosphoglucomutase 3; minus strand). Cytogenetic location: 6q14.1.
Variant type: single nucleotide variant.
Coding change: c.172G>C on transcript NM_015599.3 (MANE Select); coding-DNA position 172, G replaced by C.
Protein change: p.Gly58Arg; replaces glycine 58 with arginine.
Molecular consequence: missense variant. On other transcripts: non-coding transcript variant (1), intron variant (1).
Genome position (GRCh38, 1-based): chr6:83,190,841, C>G on the plus strand (G>C on the coding strand, the complement: PGM3 is on the minus strand). VCF-style: chr6-83190841-C-G. GRCh37 (hg19) VCF-style: chr6-83900560-C-G.
Other names: c.256G>C, p.Gly86Arg (NM_001199917.2, NM_001367287.1); c.172G>C, p.Gly58Arg (NM_001199919.2, NM_001367286.1); c.-39-2043G>C (NM_001199918.2); short protein forms G86R, G58R.
Identifiers: ClinVar variation 2032728 (VCV002032728.4), dbSNP rs2538233497, ClinGen allele CA364853518.
Genomic context (GRCh38, chr6:83,190,841, plus strand): 5'-TGCTTTATCAGGGCACTAAACCCATTACCTCAGGATTGTGGGACGCTGTTACCATGACTC[C>G]TATAGTGGATTTTGTCTGTTTTGACCTCAGGACAGCTAATAATCCCATGCGAAACATGAC-3'
Protein context (NP_056414.1, residues 48-68): LRSKQTKSTI[Gly58Arg]VMVTASHNPE